The following is an entry in ClinVar:

GRCh37/hg19 6q22.31(chr6:123477056-124324549)x3

Genes: NKAIN2 (sodium/potassium transporting ATPase interacting 2; plus strand), TRDN (triadin; minus strand). Cytogenetic location: 6q22.31.
Variant type: copy number gain.
Change: copy number 3 (three copies instead of two) of chr6:123,477,056-124,324,549 (847.5 kb, GRCh37 coordinates, 1-based), cytogenetic band 6q22.31.
Identifiers: ClinVar variation 446320 (VCV000446320.3).

ClinVar aggregate classification (germline): Uncertain significance (1 of 4 stars; one submission).

Submission:

Clinical Genomics Laboratory, Laboratory for Precision Diagnostics, University of Washington
Classification: Uncertain significance. Last evaluated: 2017-02-03. Review status: criteria provided, single submitter. Criteria: Clinical Cytogenomics Laboratory Policy on CNV Interpretation. Collection method: clinical testing. Allele origin: paternal. Affected: yes. Observed: 1 variant allele.